The following is an entry in ClinVar:

NM_001136271.3(NKX2-6):c.340_348dup (p.Asn114_Gly116dup)

Gene: NKX2-6 (NK2 homeobox 6; minus strand). Cytogenetic location: 8p21.2.
Variant type: Duplication.
Coding change: c.340_348dup on transcript NM_001136271.3 (MANE Select); coding-DNA positions 340 to 348, 9 bases duplicated (AACAGCGGC; older notation c.340_348dupAACAGCGGC).
Protein change: p.Asn114_Gly116dup.
Molecular consequence: inframe insertion.
Genome position (GRCh38, 1-based): chr8:23,703,009-23,703,017, GCCGCTGTT duplicated on the plus strand (AACAGCGGC on the coding strand, the reverse complement: NKX2-6 is on the minus strand); duplicating any 9 consecutive bases within chr8:23,703,009-23,703,020 gives the same sequence; the c. name uses the placement nearest the transcript's 3' end. VCF-style (leftmost placement, unchanged base first): chr8-23703008-C-CGCCGCTGTT. GRCh37 (hg19) VCF-style: chr8-23560521-C-CGCCGCTGTT.
Other names: c.340_348dupAACAGCGGC (NM_001136271.2).
Identifiers: ClinVar variation 466316 (VCV000466316.7), dbSNP rs780012501, ClinGen allele CA4677993.
Genomic context (GRCh38, chr8:23,703,008, plus strand): 5'-CGCGCGGCTTCCGTCGTTGCCGCGCCTTGGGCTGCTCCGAGCGGCCACCCCGCACGCTGT[C>CGCCGCTGTT]GCCGCTGTTGCCAACGCCGCGCTCTGGCACCCTGGTCCCGCCGCCGAGGGGCGAGGCCGC-3'

ClinVar aggregate classification (germline): Uncertain significance. Review status: criteria provided, multiple submitters, no conflicts (2 of 4 stars). 2 submissions from 2 submitters: Uncertain significance (2). Last evaluated 2025-10-27.

Conditions:
Conotruncal heart malformations (CTHM). Also called: Conotruncal heart malformations, variable. Identifiers: Orphanet 2445, Orphanet 3384, Orphanet 3426, MedGen C1857586, MONDO:0016581, OMIM 217095.

Submissions (2):

Labcorp Genetics (formerly Invitae), Labcorp
Classification: Uncertain significance for Conotruncal heart malformations. Last evaluated: 2025-10-27. Review status: criteria provided, single submitter. Criteria: Invitae Variant Classification Sherloc (09022015). Collection method: clinical testing. Allele origin: germline.
Comment: This variant, c.340_348dup, results in the insertion of 3 amino acid(s) of the NKX2-6 protein (p.Asn114_Gly116dup), but otherwise preserves the integrity of the reading frame. This variant is present in population databases (rs780012501, gnomAD 0.1%), and has an allele count higher than expected for a pathogenic variant. This variant has not been reported in the literature in individuals affected with NKX2-6-related conditions. ClinVar contains an entry for this variant (Variation ID: 466316). Experimental studies and prediction algorithms are not available or were not evaluated, and the functional significance of this variant is currently unknown. In summary, the available evidence is currently insufficient to determine the role of this variant in disease. Therefore, it has been classified as a Variant of Uncertain Significance.

Breakthrough Genomics
Classification: Uncertain significance. Review status: criteria provided, single submitter. Criteria: ACMG Guidelines, 2015. Collection method: not provided. Allele origin: germline. Inheritance: Autosomal recessive inheritance. Affected: yes.